The following is an entry in ClinVar:

NM_000404.4(GLB1):c.716C>T (p.Thr239Met)

Gene: GLB1 (galactosidase beta 1; minus strand). Cytogenetic location: 3p22.3.
Variant type: single nucleotide variant.
Coding change: c.716C>T on transcript NM_000404.4 (MANE Select); coding-DNA position 716, C replaced by T.
Protein change: p.Thr239Met; replaces threonine 239 with methionine.
Molecular consequence: missense variant. On other transcripts: intron variant (1).
Genome position (GRCh38, 1-based): chr3:33,058,106, G>A on the plus strand (C>T on the coding strand, the complement: GLB1 is on the minus strand). VCF-style: chr3-33058106-G-A. GRCh37 (hg19) VCF-style: chr3-33099598-G-A.
Other names: c.626C>T, p.Thr209Met (NM_001079811.3); c.860C>T, p.Thr287Met (NM_001317040.2); c.716C>T, p.Thr239Met (NM_001393580.1); c.341-4557C>T (NM_001135602.3); c.716C>T (NM_000404.3); short protein forms T239M, T287M, T209M.
Identifiers: ClinVar variation 807421 (VCV000807421.20), dbSNP rs746766232, ClinGen allele CA2299627.

ClinVar aggregate classification (germline): Pathogenic/Likely pathogenic. Review status: criteria provided, multiple submitters, no conflicts (2 of 4 stars). 11 submissions from 10 submitters: Pathogenic (7); Likely pathogenic (4). Last evaluated 2026-05-29.

Conditions:
Lysosomal storage disease. Also called: Lysosomal storage disorder. Identifiers: Orphanet 68366, MedGen C0085078, MONDO:0002561.
GM1 gangliosidosis. Identifiers: Orphanet 354, MedGen C0085131, MONDO:0018149.
GM1 gangliosidosis type 2. Also called: GANGLIOSIDOSIS, GENERALIZED GM1, JUVENILE TYPE; GANGLIOSIDOSIS, GENERALIZED GM1, TYPE II; Juvenile GM>1< gangliosidosis; GM1-GANGLIOSIDOSIS, TYPE II; Gangliosidosis, Generalized GM1, Type 2. Identifiers: Orphanet 354, Orphanet 79256, MedGen C0268272, MONDO:0009261, OMIM 230600.
Mucopolysaccharidosis, MPS-IV-B (MPS4B). Also called: Mucopolysaccharidosis type IVB (Morquio); MPS IVB; Mucopolysaccharidosis Type IVB (Morquio B Disease); Mucopolysaccharidosis Type IVB; MORQUIO SYNDROME B; Mucopolysaccharidosis type IV B. Identifiers: Orphanet 309310, Orphanet 582, MedGen C0086652, MONDO:0009660, OMIM 253010.
Infantile GM1 gangliosidosis. Also called: Gangliosidosis, Generalized GM1, Type 1; GM1-gangliosidosis, type I; Gangliosidosis, generalized GM1, infantile form; GLB1 deficiency; GM1 gangliosidosis type 1. Identifiers: Orphanet 354, Orphanet 79255, MedGen C0268271, MONDO:0009260, OMIM 230500.
GM1 gangliosidosis type 3. Also called: GANGLIOSIDOSIS, GENERALIZED GM1, ADULT TYPE; GANGLIOSIDOSIS, GENERALIZED GM1, CHRONIC TYPE; GANGLIOSIDOSIS, GENERALIZED GM1, TYPE III; Beta-galactosidase deficiency; Adult GM1 gangliosidosis; Type 3 (adult) GM1 gangliosidosis. Identifiers: Orphanet 79257, MedGen C0268273, MONDO:0009262, OMIM 230650.
GLB1-related disorder. Also called: GLB1-related disorders. Identifiers: MedGen CN377807.

Allele frequency attached by ClinVar (database versions not stated): gnomAD exomes 0.00001 and 0.00002; ExAC 0.00003.
gnomAD v4.1: 15 of 1,613,900 alleles (0.00093%); highest among the groups gnomAD compares: Admixed American, 0.0017%; no homozygotes.

Submissions (11):

GeneDx
Classification: Pathogenic. Last evaluated: 2026-05-29. Review status: criteria provided, single submitter. Criteria: GeneDx Variant Classification Process June 2021. Collection method: clinical testing. Allele origin: germline.
Comment: Previously identified in individuals with infantile GM1-gangliosidosis who were heterozygous for the T239M variant and another variant in GLB1 (PMID: 15714521, 19472408); Published functional studies demonstrate a damaging effect: T239M is associated with significantly reduced enzyme activity (PMID: 15714521); Not observed at significant frequency in large population cohorts (gnomAD); In silico analysis supports that this missense variant has a deleterious effect on protein structure/function; This variant is associated with the following publications: (PMID: 29396849, 19472408, 33737400, 15714521)

Genetics Laboratory, Great Ormond Street Hospital NHS Foundation Trust, North Thames Genomic Laboratory Hub
Classification: Pathogenic for Lysosomal storage disorder. Last evaluated: 2026-02-10. Review status: criteria provided, single submitter. Criteria: ACGS Best Practice Guidelines for Variant Classification in Rare Disease 2024 v1.2. Collection method: clinical testing. Allele origin: germline. Affected: yes.
Comment: PM2_moderate, PP3_supporting, PS3_supporting, PM3_moderate, PP4_strong

PreventionGenetics, part of Exact Sciences
Classification: Pathogenic for GLB1-related condition. Last evaluated: 2025-12-30. Review status: criteria provided, single submitter. Criteria: ACMG Guidelines, 2015. Collection method: clinical testing. Allele origin: germline.
Comment: The GLB1 c.716C>T variant is predicted to result in the amino acid substitution p.Thr239Met. This variant has been reported in individuals with GM1-gangliosidosis (Caciotti et al. 2005. PubMed ID: 15714521; Hofer et al. 2009. PubMed ID: 19472408; Table S1, Tebani et al. 2021. PubMed ID: 33737400). In vitro functional studies revealed this variant significantly reduced GLB1 expression and activity compared to wildtype (Caciotti et al. 2005. PubMed ID: 15714521; Hofer et al. 2009. PubMed ID: 19472408). This variant is reported in 0.0035% of alleles in individuals of European (Non-Finnish) descent in gnomAD. This variant is interpreted as pathogenic.

Labcorp Genetics (formerly Invitae), Labcorp
Classification: Pathogenic for Mucopolysaccharidosis, MPS-IV-B; GM1 gangliosidosis. Last evaluated: 2025-02-26. Review status: criteria provided, single submitter. Criteria: Invitae Variant Classification Sherloc (09022015). Collection method: clinical testing. Allele origin: germline.
Comment: This sequence change replaces threonine, which is neutral and polar, with methionine, which is neutral and non-polar, at codon 239 of the GLB1 protein (p.Thr239Met). This variant is present in population databases (rs746766232, gnomAD 0.003%). This missense change has been observed in individual(s) with GM1-gangliosidosis (PMID: 15714521, 19472408). ClinVar contains an entry for this variant (Variation ID: 807421). Invitae Evidence Modeling of protein sequence and biophysical properties (such as structural, functional, and spatial information, amino acid conservation, physicochemical variation, residue mobility, and thermodynamic stability) indicates that this missense variant is expected to disrupt GLB1 protein function with a positive predictive value of 95%. Experimental studies have shown that this missense change affects GLB1 function (PMID: 15714521). For these reasons, this variant has been classified as Pathogenic.

Natera, Inc.
Classification: Likely pathogenic for Mucopolysaccharidosis, MPS-IV-B. Last evaluated: 2025-02-03. Review status: criteria provided, single submitter. Criteria: Natera Variant Classification Schema (03/2026). Collection method: clinical testing. Allele origin: germline.
Comment: The c.716C>T variant in GLB1 is a missense variant predicted to cause substitution of threonine to methionine at amino acid 239. This variant is rare in the general population with a frequency below the threshold expected for the associated phenotype(s). This variant has been observed in one or more individuals affected with the associated recessive disease, as either homozygous or compound heterozygous with a second variant (PMID: 15714521, 33737400, 19472408). Functional studies show that this variant may disrupt protein function (PMID: 15714521). Computational prediction algorithms indicate this variant is likely to affect gene or protein function. Given the available evidence, this variant is classified as Likely Pathogenic.

Fulgent Genetics
Classification: Likely pathogenic for Infantile GM1 gangliosidosis; GM1 gangliosidosis type 2; GM1 gangliosidosis type 3; Mucopolysaccharidosis, MPS-IV-B. Last evaluated: 2024-06-20. Review status: criteria provided, single submitter. Criteria: ACMG Guidelines, 2015. Collection method: clinical testing. Allele origin: germline.

Women's Health and Genetics/Laboratory Corporation of America, LabCorp
Classification: Likely pathogenic for GM1 gangliosidosis. Last evaluated: 2024-06-18. Review status: criteria provided, single submitter. Criteria: LabCorp Variant Classification Summary - May 2015. Collection method: clinical testing. Allele origin: germline.
Comment: Variant summary: GLB1 c.716C>T (p.Thr239Met) results in a non-conservative amino acid change located in the Glycoside hydrolase 35, catalytic domain (IPR031330) of the encoded protein sequence. Five of five in-silico tools predict a damaging effect of the variant on protein function. The variant allele was found at a frequency of 2e-05 in 249238 control chromosomes. c.716C>T has been reported in the literature in compound heterozygous individuals affected with GM1-gangliosidosis (e.g. Caciotti_2005, Hofer_2009, Tebani_JMG_2022). These data indicate that the variant is likely to be associated with disease. At least one publication reports experimental evidence evaluating an impact on protein function. The most pronounced variant effect results in <10% of normal activity (e.g. Caciotti_2005). The following publications have been ascertained in the context of this evaluation (PMID: 15714521, 19472408, 33737400). ClinVar contains an entry for this variant (Variation ID: 807421). Based on the evidence outlined above, the variant was classified as likely pathogenic.

Genetics and Genomic Medicine Centre, NeuroGen Healthcare, NeuroGen Healthcare
Classification: Pathogenic for GM1 gangliosidosis type 2. Last evaluated: 2024-04-29. Review status: criteria provided, single submitter. Criteria: ACMG Guidelines, 2015. Collection method: clinical testing. Allele origin: unknown. Affected: yes.

Genetics and Genomic Medicine Centre, NeuroGen Healthcare, NeuroGen Healthcare
Classification: Pathogenic for Infantile GM1 gangliosidosis. Last evaluated: 2021-12-06. Review status: criteria provided, single submitter. Criteria: Submitter's publication. Collection method: clinical testing. Allele origin: unknown. Affected: no.

Baylor Genetics
Classification: Likely pathogenic for Infantile GM1 gangliosidosis. Last evaluated: 2020-05-05. Review status: criteria provided, single submitter. Criteria: ACMG Guidelines, 2015. Collection method: clinical testing. Allele origin: unknown. Affected: yes.
Comment: This variant was determined to be likely pathogenic according to ACMG Guidelines, 2015 [PMID:25741868].

Institute of Human Genetics Munich, TUM University Hospital
Classification: Pathogenic for GM1 gangliosidosis type 2. Last evaluated: 2019-06-11. Review status: criteria provided, single submitter. Criteria: Classification criteria August 2017. Collection method: clinical testing. Allele origin: germline. Inheritance: Autosomal recessive inheritance. Affected: yes. Observed: 1 compound heterozygote.

Literature cited by the submitters: PubMed 15714521 (cited by 3 submitters); PubMed 19472408 (cited by 3 submitters); PubMed 33737400 (cited by Natera, Inc. and Women's Health and Genetics/Laboratory Corporation of America, LabCorp).